The following is an entry in ClinVar:

ClinVar aggregate classification (germline): Uncertain significance (1 of 4 stars; one submission).

Conditions:
Severe combined immunodeficiency due to IKK2 deficiency. Also called: IMMUNODEFICIENCY 15B; Immunodeficiency 15. Identifiers: Orphanet 397787, MedGen C4747743, MONDO:0014267, OMIM 615592.

Submission:

Labcorp Genetics (formerly Invitae), Labcorp
Classification: Uncertain significance for Severe combined immunodeficiency due to IKK2 deficiency. Last evaluated: 2025-09-21. Review status: criteria provided, single submitter. Criteria: Invitae Variant Classification Sherloc (09022015). Collection method: clinical testing. Allele origin: germline.
Comment: This sequence change replaces serine, which is neutral and polar, with alanine, which is neutral and non-polar, at codon 692 of the IKBKB protein (p.Ser692Ala). This variant is not present in population databases (gnomAD no frequency). This variant has not been reported in the literature in individuals affected with IKBKB-related conditions. ClinVar contains an entry for this variant (Variation ID: 3669091). Invitae Evidence Modeling of protein sequence and biophysical properties (such as structural, functional, and spatial information, amino acid conservation, physicochemical variation, residue mobility, and thermodynamic stability) indicates that this missense variant is not expected to disrupt IKBKB protein function with a negative predictive value of 95%. In summary, the available evidence is currently insufficient to determine the role of this variant in disease. Therefore, it has been classified as a Variant of Uncertain Significance.

NM_001556.3(IKBKB):c.2074T>G (p.Ser692Ala)

Gene: IKBKB (inhibitor of nuclear factor kappa B kinase subunit beta; plus strand). Cytogenetic location: 8p11.21.
Variant type: single nucleotide variant.
Coding change: c.2074T>G on transcript NM_001556.3 (MANE Select); coding-DNA position 2074, T replaced by G.
Protein change: p.Ser692Ala; replaces serine 692 with alanine.
Molecular consequence: missense variant. On other transcripts: non-coding transcript variant (3).
Genome position (GRCh38, 1-based): chr8:42,326,057, T>G. VCF-style: chr8-42326057-T-G. GRCh37 (hg19) VCF-style: chr8-42183575-T-G.
Other names: c.1882T>G, p.Ser628Ala (NM_001190720.3); c.1897T>G, p.Ser633Ala (NM_001242778.2); short protein forms S628A, S692A, S633A.
Identifiers: ClinVar variation 3669091 (VCV003669091.2).
Genomic context (GRCh38, chr8:42,326,057, plus strand): 5'-AGCCCGGATAGCATGAATGCCTCTCGACTTAGCCAGCCTGGGCAGCTGATGTCTCAGCCC[T>G]CCACGGCCTCCAACAGCTTACCTGAGCCAGCCAAGAAGAGGTAGGTCCTCCTTAGCAGTG-3'
Protein context (NP_001547.1, residues 682-702): SQPGQLMSQP[Ser692Ala]TASNSLPEPA